The following is an entry in ClinVar:

ClinVar aggregate classification (germline): Uncertain significance. Review status: criteria provided, multiple submitters, no conflicts (2 of 4 stars). 2 submissions from 2 submitters: Uncertain significance (2). Last evaluated 2024-09-26.

Conditions:
MOGS-congenital disorder of glycosylation. Also called: GLUCOSIDASE I DEFICIENCY; MOGS-CDG; CDG IIb; CDG 2B. Identifiers: Orphanet 79330, MedGen C1853736, MONDO:0011629, OMIM 606056.

Allele frequency attached by ClinVar (database versions not stated): gnomAD exomes below 0.00001 and 0.00002; ExAC 0.00001; gnomAD 0.00003 and 0.00004; TOPMed 0.00003.
gnomAD v4.1: 32 of 1,614,098 alleles (0.002%); highest among the groups gnomAD compares: Non-Finnish European, 0.0026%; no homozygotes.

Submissions (2):

GeneDx
Classification: Uncertain significance. Last evaluated: 2024-09-26. Review status: criteria provided, single submitter. Criteria: GeneDx Variant Classification Process June 2021. Collection method: clinical testing. Allele origin: germline. Affected: yes.
Comment: Not observed at significant frequency in large population cohorts (gnomAD); In silico analysis supports that this missense variant has a deleterious effect on protein structure/function; This variant is associated with the following publications: (PMID: 38498292)

Labcorp Genetics (formerly Invitae), Labcorp
Classification: Uncertain significance for MOGS-congenital disorder of glycosylation. Last evaluated: 2022-08-19. Review status: criteria provided, single submitter. Criteria: Invitae Variant Classification Sherloc (09022015). Collection method: clinical testing. Allele origin: germline.
Comment: This sequence change replaces leucine, which is neutral and non-polar, with proline, which is neutral and non-polar, at codon 713 of the MOGS protein (p.Leu713Pro). This variant is present in population databases (rs748734282, gnomAD 0.004%). This variant has not been reported in the literature in individuals affected with MOGS-related conditions. ClinVar contains an entry for this variant (Variation ID: 1354556). Algorithms developed to predict the effect of missense changes on protein structure and function (SIFT, PolyPhen-2, Align-GVGD) all suggest that this variant is likely to be disruptive. In summary, the available evidence is currently insufficient to determine the role of this variant in disease. Therefore, it has been classified as a Variant of Uncertain Significance.

NM_006302.3(MOGS):c.2138T>C (p.Leu713Pro)

Gene: MOGS (mannosyl-oligosaccharide glucosidase; minus strand). Cytogenetic location: 2p13.1.
Variant type: single nucleotide variant.
Coding change: c.2138T>C on transcript NM_006302.3 (MANE Select); coding-DNA position 2138, T replaced by C.
Protein change: p.Leu713Pro; replaces leucine 713 with proline.
Molecular consequence: missense variant.
Genome position (GRCh38, 1-based): chr2:74,461,651, A>G on the plus strand (T>C on the coding strand, the complement: MOGS is on the minus strand). VCF-style: chr2-74461651-A-G. GRCh37 (hg19) VCF-style: chr2-74688778-A-G.
Other names: c.1820T>C, p.Leu607Pro (NM_001146158.2); c.2138T>C (NM_006302.2); short protein forms L713P, L607P.
Identifiers: ClinVar variation 1354556 (VCV001354556.6), dbSNP rs748734282, ClinGen allele CA1724649.